The following is an entry in ClinVar:

NM_001321075.3(DLG4):c.1693+5G>C

Gene: DLG4 (discs large MAGUK scaffold protein 4; minus strand). Cytogenetic location: 17p13.1.
Variant type: single nucleotide variant.
Coding change: c.1693+5G>C on transcript NM_001321075.3 (MANE Select); 5 bases into the intron after coding-DNA position 1693, G replaced by C.
Molecular consequence: intron variant.
Genome position (GRCh38, 1-based): chr17:7,193,478, C>G on the plus strand (G>C on the coding strand, the complement: DLG4 is on the minus strand). VCF-style: chr17-7193478-C-G. GRCh37 (hg19) VCF-style: chr17-7096797-C-G.
Other names: c.1822+5G>C (NM_001365.5); c.1684+5G>C (NM_001128827.4); c.1612+5G>C (NM_001369566.3); c.1513+5G>C (NM_001321077.3, NM_001321076.3); c.1813+5G>C (NM_001321074.1).
Identifiers: ClinVar variation 5005799 (VCV005005799.2).

ClinVar aggregate classification (germline): Uncertain significance (1 of 4 stars; one submission).

Conditions:
Intellectual developmental disorder 62. Also called: MENTAL RETARDATION, AUTOSOMAL DOMINANT 62; INTELLECTUAL DEVELOPMENTAL DISORDER, AUTOSOMAL DOMINANT 62. Identifiers: MedGen C5394083, MONDO:0032919, OMIM 618793.

Submission:

Juno Genomics, Hangzhou Juno Genomics, Inc
Classification: Uncertain significance for Intellectual developmental disorder 62. Review status: criteria provided, single submitter. Criteria: ACMG Guidelines, 2015. Collection method: clinical testing. Allele origin: germline.
Comment: Absent from controls (or at extremely low frequency if recessive) in Genome Aggregation Database.;Multiple lines of computational evidence support a deleterious effect on the gene or gene product.